The following is an entry in ClinVar:

ClinVar aggregate classification (germline): Benign/Likely benign. Review status: criteria provided, multiple submitters, no conflicts (2 of 4 stars). 9 submissions from 8 submitters: Benign (7); Likely benign (2). Last evaluated 2026-02-02.

Conditions:
Cardiovascular phenotype. Identifiers: MedGen CN230736.
Brugada syndrome 5 (BRGDA5). Identifiers: Orphanet 130, Orphanet 871, MedGen C2748541, MONDO:0013015, OMIM 612838.
Generalized epilepsy with febrile seizures plus, type 1 (GEFSP1). Also called: GEFS+, TYPE 1. Identifiers: Orphanet 36387, MedGen C1858672, MONDO:0011416, OMIM 604233.

Allele frequency attached by ClinVar (database versions not stated): gnomAD exomes 0.00048 and 0.00135; ExAC 0.00186; gnomAD 0.00493 and 0.00539; TOPMed 0.00581; 1000 Genomes Project 0.00599; ESP Exome Variant Server 0.00546; 1000 Genomes Project 30x 0.00671.
gnomAD v4.1: 1,473 of 1,614,086 alleles (0.091%); highest among the groups gnomAD compares: African/African-American, 1.8%; 11 homozygotes.

Submissions (9):

Labcorp Genetics (formerly Invitae), Labcorp
Classification: Benign for Brugada syndrome 5. Last evaluated: 2026-02-02. Review status: criteria provided, single submitter. Criteria: Invitae Variant Classification Sherloc (09022015). Collection method: clinical testing. Allele origin: germline.

ARUP Laboratories, Molecular Genetics and Genomics, ARUP Laboratories
Classification: Benign. Last evaluated: 2021-04-13. Review status: criteria provided, single submitter. Criteria: ARUP Molecular Germline Variant Investigation Process 2021. Collection method: clinical testing. Allele origin: germline.

Illumina Laboratory Services, Illumina
Classification: Benign for Brugada syndrome 5. Last evaluated: 2018-01-13. Review status: criteria provided, single submitter. Criteria: ICSL Variant Classification Criteria 13 December 2019. Collection method: clinical testing. Allele origin: germline.
Comment: This variant was observed in the ICSL laboratory as part of a predisposition screen in an ostensibly healthy population. It had not been previously curated by ICSL or reported in the Human Gene Mutation Database (HGMD: prior to June 1st, 2018), and was therefore a candidate for classification through an automated scoring system. Utilizing variant allele frequency, disease prevalence and penetrance estimates, and inheritance mode, an automated score was calculated to assess if this variant is too frequent to cause the disease. Based on the score and internal cut-off values, a variant classified as benign is not then subjected to further curation. The score for this variant resulted in a classification of benign for this disease.

Illumina Laboratory Services, Illumina
Classification: Likely benign for Generalized epilepsy with febrile seizures plus, type 1. Last evaluated: 2018-01-13. Review status: criteria provided, single submitter. Criteria: ICSL Variant Classification Criteria 13 December 2019. Collection method: clinical testing. Allele origin: germline.
Comment: This variant was observed in the ICSL laboratory as part of a predisposition screen in an ostensibly healthy population. It had not been previously curated by ICSL or reported in the Human Gene Mutation Database (HGMD: prior to June 1st, 2018), and was therefore a candidate for classification through an automated scoring system. Utilizing variant allele frequency, disease prevalence and penetrance estimates, and inheritance mode, an automated score was calculated to assess if this variant is too frequent to cause the disease. Based on the score and internal cut-off values, a variant classified as likely benign is not then subjected to further curation. The score for this variant resulted in a classification of likely benign for this disease.

Women's Health and Genetics/Laboratory Corporation of America, LabCorp
Classification: Benign. Last evaluated: 2017-10-23. Review status: criteria provided, single submitter. Criteria: LabCorp Variant Classification Summary - May 2015. Collection method: clinical testing. Allele origin: germline.
Comment: Variant summary: The SCN1B c.300C>T (p.Asp100Asp) variant involves the alteration of a conserved nucleotide causing a synonymous change and 5/5 splice prediction tools predict no significant impact on normal splicing. However, these predictions have yet to be confirmed by functional studies. This variant was found in 456/277158 (5 homozygotes) control chromosomes (gnomAD) at a frequency of 0.0016453, which is approximately 165 times the estimated maximal expected allele frequency of a pathogenic SCN1B variant (0.00001), suggesting this variant is likely a benign polymorphism. In addition, multiple clinical diagnostic laboratories/reputable databases classified this variant as benign. The variant of interest has not, to our knowledge, been reported in affected individuals via publications and/or reputable databases/clinical diagnostic laboratories; nor evaluated for functional impact by in vivo/vitro studies. Taken together, this variant is classified as benign.

Ambry Genetics
Classification: Benign for Cardiovascular phenotype. Last evaluated: 2016-05-09. Review status: criteria provided, single submitter. Criteria: Ambry Variant Classification Scheme 2023. Collection method: clinical testing. Allele origin: germline.

Eurofins Ntd Llc (ga)
Classification: Benign. Last evaluated: 2014-08-28. Review status: criteria provided, single submitter. Criteria: EGL Classification Definitions 2015. Collection method: clinical testing. Allele origin: germline. Observed: 1 variant allele, 1 heterozygote.

GeneDx
Classification: Benign. Last evaluated: 2013-03-15. Review status: criteria provided, single submitter. Criteria: GeneDx Variant Classification (06012015). Collection method: clinical testing. Allele origin: germline. Affected: yes.
Comment: This variant is considered likely benign or benign based on one or more of the following criteria: it is a conservative change, it occurs at a poorly conserved position in the protein, it is predicted to be benign by multiple in silico algorithms, and/or has population frequency not consistent with disease.

Breakthrough Genomics
Classification: Likely benign. Review status: criteria provided, single submitter. Criteria: ACMG Guidelines, 2015. Collection method: not provided. Allele origin: germline. Inheritance: Autosomal recessive inheritance. Affected: yes.

NM_001037.5(SCN1B):c.300C>T (p.Asp100=)

Gene: SCN1B (sodium voltage-gated channel beta subunit 1; plus strand). Cytogenetic location: 19q13.11.
Variant type: single nucleotide variant.
Coding change: c.300C>T on transcript NM_001037.5 (MANE Select); coding-DNA position 300, C replaced by T.
Protein change: p.Asp100=; no amino-acid change (aspartic acid 100 retained).
Molecular consequence: synonymous variant.
Genome position (GRCh38, 1-based): chr19:35,033,591, C>T. VCF-style: chr19-35033591-C-T. GRCh37 (hg19) VCF-style: chr19-35524495-C-T.
Other names: p.D100D:GAC>GAT; c.201C>T, p.Asp67= (NM_001321605.2); c.300C>T, p.Asp100= (NM_199037.5).
Identifiers: ClinVar variation 138993 (VCV000138993.30), dbSNP rs16969927, ClinGen allele CA293209.